The following is an entry in ClinVar:

NM_000051.4(ATM):c.3153+4A>T

Gene: ATM (ATM serine/threonine kinase; plus strand). Cytogenetic location: 11q22.3.
Variant type: single nucleotide variant.
Coding change: c.3153+4A>T on transcript NM_000051.4 (MANE Select); 4 bases into the intron after coding-DNA position 3153, A replaced by T.
Molecular consequence: intron variant.
Genome position (GRCh38, 1-based): chr11:108,272,611, A>T. VCF-style: chr11-108272611-A-T. GRCh37 (hg19) VCF-style: chr11-108143338-A-T.
Other names: c.3153+4A>T (NM_001351834.2).
Identifiers: ClinVar variation 407593 (VCV000407593.8), dbSNP rs1060501620, ClinGen allele CA16613321.

ClinVar aggregate classification (germline): Uncertain significance (1 of 4 stars; one submission).

Conditions:
Ataxia-telangiectasia syndrome (AT). Also called: Ataxia telangiectasia (A-T); LOUIS-BAR SYNDROME; Cerebello-oculocutaneous telangiectasia; Immunodeficiency with ataxia telangiectasia; Ataxia-telangiectasia, complementation group D; AT, COMPLEMENTATION GROUP C. Identifiers: Orphanet 100, MedGen C0004135, MONDO:0008840, OMIM 208900.

Submission:

Labcorp Genetics (formerly Invitae), Labcorp
Classification: Uncertain significance for Ataxia-telangiectasia syndrome. Last evaluated: 2016-12-30. Review status: criteria provided, single submitter. Criteria: Invitae Variant Classification Sherloc (09022015). Collection method: clinical testing. Allele origin: germline.
Comment: In summary, this is a novel intronic change with uncertain impact on splicing. It has been classified as a Variant of Uncertain Significance. Nucleotide substitutions within the consensus splice site are relatively common causes of aberrant splicing (PMID: 17576681, 9536098). Algorithms developed to predict the effect of nucleotide changes on RNA splicing suggest that this variant may alter RNA splicing, but this prediction has not been confirmed by published transcriptional studies. This variant is not present in population databases (ExAC no frequency) and has not been reported in the literature in individuals with a ATM-related disease. This sequence change falls in intron 21 of the ATM gene. It does not directly change the encoded amino acid sequence of the ATM protein, but it affects a nucleotide within the consensus splice site of the intron.

Literature cited by the submitters: PubMed 17576681; PubMed 9536098.